The following is an entry in ClinVar:

NM_004104.5(FASN):c.2648G>A (p.Arg883His)

Gene: FASN (fatty acid synthase; minus strand). Cytogenetic location: 17q25.3.
Variant type: single nucleotide variant.
Coding change: c.2648G>A on transcript NM_004104.5 (MANE Select); coding-DNA position 2648, G replaced by A.
Protein change: p.Arg883His; replaces arginine 883 with histidine.
Molecular consequence: missense variant.
Genome position (GRCh38, 1-based): chr17:82,088,253, C>T on the plus strand (G>A on the coding strand, the complement: FASN is on the minus strand). VCF-style: chr17-82088253-C-T. GRCh37 (hg19) VCF-style: chr17-80046129-C-T.
Other names: c.2648G>A (NM_004104.4); short protein forms R883H.
Identifiers: ClinVar variation 1362592 (VCV001362592.9), dbSNP rs753970857, ClinGen allele CA8852698.

ClinVar aggregate classification (germline): Uncertain significance. Review status: criteria provided, multiple submitters, no conflicts (2 of 4 stars). 2 submissions from 2 submitters: Uncertain significance (2). Last evaluated 2025-07-02.

Conditions:
Epileptic encephalopathy. Identifiers: MedGen C0543888, HP:0200134.

Allele frequency attached by ClinVar (database versions not stated): TOPMed 0.00001; gnomAD exomes 0.00002 and 0.00003; ExAC 0.00003; gnomAD 0.00001.
gnomAD v4.1: 39 of 1,606,834 alleles (0.0024%); highest among the groups gnomAD compares: South Asian, 0.012%; no homozygotes.

Submissions (2):

Labcorp Genetics (formerly Invitae), Labcorp
Classification: Uncertain significance for Epileptic encephalopathy. Last evaluated: 2025-07-02. Review status: criteria provided, single submitter. Criteria: Invitae Variant Classification Sherloc (09022015). Collection method: clinical testing. Allele origin: germline.
Comment: This sequence change replaces arginine, which is basic and polar, with histidine, which is basic and polar, at codon 883 of the FASN protein (p.Arg883His). This variant is present in population databases (rs753970857, gnomAD 0.01%). This variant has not been reported in the literature in individuals affected with FASN-related conditions. ClinVar contains an entry for this variant (Variation ID: 1362592). An algorithm developed to predict the effect of missense changes on protein structure and function (PolyPhen-2) suggests that this variant is likely to be disruptive. In summary, the available evidence is currently insufficient to determine the role of this variant in disease. Therefore, it has been classified as a Variant of Uncertain Significance.

Ambry Genetics
Classification: Uncertain significance. Last evaluated: 2025-05-06. Review status: criteria provided, single submitter. Criteria: Ambry Variant Classification Scheme 2023. Collection method: clinical testing. Allele origin: germline.